The following is an entry in ClinVar:

NM_000718.4(CACNA1B):c.4308+7G>A

Gene: CACNA1B (calcium voltage-gated channel subunit alpha1 B; plus strand). Cytogenetic location: 9q34.3.
Variant type: single nucleotide variant.
Coding change: c.4308+7G>A on transcript NM_000718.4 (MANE Select); 7 bases into the intron after coding-DNA position 4308, G replaced by A.
Molecular consequence: intron variant.
Genome position (GRCh38, 1-based): chr9:138,058,257, G>A. VCF-style: chr9-138058257-G-A. GRCh37 (hg19) VCF-style: chr9-140952709-G-A.
Other names: c.4308+7G>A (NM_001243812.2).
Identifiers: ClinVar variation 732326 (VCV000732326.27), dbSNP rs192240294, ClinGen allele CA5376941.

ClinVar aggregate classification (germline): Likely benign. Review status: criteria provided, multiple submitters, no conflicts (2 of 4 stars). 4 submissions from 4 submitters: Likely benign (4). Last evaluated 2025-12-16.

Allele frequency attached by ClinVar (database versions not stated): gnomAD exomes 0.00048 and 0.00106; ExAC 0.00051; 1000 Genomes Project 0.00060; 1000 Genomes Project 30x 0.00062; gnomAD 0.00063 and 0.00064; ESP Exome Variant Server 0.00070; TOPMed 0.00073.
gnomAD v4.1: 1,641 of 1,609,696 alleles (0.1%); highest among the groups gnomAD compares: Non-Finnish European, 0.13%; no homozygotes.

Submissions (4):

Labcorp Genetics (formerly Invitae), Labcorp
Classification: Likely benign. Last evaluated: 2025-12-16. Review status: criteria provided, single submitter. Criteria: Invitae Variant Classification Sherloc (09022015). Collection method: clinical testing. Allele origin: germline.

Women's Health and Genetics/Laboratory Corporation of America, LabCorp
Classification: Likely benign. Last evaluated: 2025-04-30. Review status: criteria provided, single submitter. Criteria: LabCorp Variant Classification Summary - May 2015. Collection method: clinical testing. Allele origin: germline.

CeGaT Center for Human Genetics Tuebingen
Classification: Likely benign. Last evaluated: 2025-02-01. Review status: criteria provided, single submitter. Criteria: CeGaT Center For Human Genetics Tuebingen Variant Classification Criteria Version 2. Collection method: clinical testing. Allele origin: germline. Affected: yes. Observed: 1 variant allele.
Comment: CACNA1B: BP4

Blueprint Genetics
Classification: Likely benign. Last evaluated: 2024-11-08. Review status: criteria provided, single submitter. Criteria: ACMG Guidelines, 2015. Collection method: clinical testing. Allele origin: germline.